The following is an entry in ClinVar:

ClinVar aggregate classification (germline): Uncertain significance (1 of 4 stars; one submission).

Conditions:
Encephalopathy, acute, infection-induced (herpes-specific), susceptibility to, 1. Also called: Herpes simplex encephalitis, susceptibility to, 1. Identifiers: Orphanet 1930, MedGen C2750180, MONDO:0024563, OMIM 610551.

Allele frequency attached by ClinVar (database versions not stated): TOPMed 0.00001; gnomAD 0.00001.
gnomAD v4.1: 2 of 1,613,986 alleles (0.00012%); highest among the groups gnomAD compares: Non-Finnish European, 0.00017%; no homozygotes.

Submission:

Labcorp Genetics (formerly Invitae), Labcorp
Classification: Uncertain significance for Encephalopathy, acute, infection-induced (herpes-specific), susceptibility to, 1. Last evaluated: 2024-02-24. Review status: criteria provided, single submitter. Criteria: Invitae Variant Classification Sherloc (09022015). Collection method: clinical testing. Allele origin: germline.
Comment: This sequence change replaces isoleucine, which is neutral and non-polar, with threonine, which is neutral and polar, at codon 250 of the TLR3 protein (p.Ile250Thr). This variant is present in population databases (no rsID available, gnomAD 0.007%). This variant has not been reported in the literature in individuals affected with TLR3-related conditions. ClinVar contains an entry for this variant (Variation ID: 1042879). An algorithm developed to predict the effect of missense changes on protein structure and function (PolyPhen-2) suggests that this variant is likely to be disruptive. In summary, the available evidence is currently insufficient to determine the role of this variant in disease. Therefore, it has been classified as a Variant of Uncertain Significance.

NM_003265.3(TLR3):c.749T>C (p.Ile250Thr)

Gene: TLR3 (toll like receptor 3; plus strand). Cytogenetic location: 4q35.1.
Variant type: single nucleotide variant.
Coding change: c.749T>C on transcript NM_003265.3 (MANE Select); coding-DNA position 749, T replaced by C.
Protein change: p.Ile250Thr; replaces isoleucine 250 with threonine.
Molecular consequence: missense variant.
Genome position (GRCh38, 1-based): chr4:186,082,435, T>C. VCF-style: chr4-186082435-T-C. GRCh37 (hg19) VCF-style: chr4-187003589-T-C.
Other names: short protein forms I250T.
Identifiers: ClinVar variation 1042879 (VCV001042879.9), dbSNP rs1318905138, ClinGen allele CA358929060.